The following is an entry in ClinVar:

ClinVar aggregate classification (germline): Uncertain significance (1 of 4 stars; one submission).

Conditions:
Autosomal dominant intellectual disability-craniofacial anomalies-cardiac defects syndrome (ARTHS). Also called: KAT6A syndrome; Arboleda-Tham syndrome; Mental retardation, autosomal dominant 32. Identifiers: Orphanet 457193, MedGen C4225396, MONDO:0014558, OMIM 616268.

Submission:

Foundation for Research in Genetics and Endocrinology, FRIGE's Institute of Human Genetics
Classification: Uncertain significance for Autosomal dominant intellectual disability-craniofacial anomalies-cardiac defects syndrome. Last evaluated: 2022-12-06. Review status: criteria provided, single submitter. Criteria: ACMG Guidelines, 2015. Collection method: clinical testing. Allele origin: germline. Inheritance: Autosomal dominant inheritance. Affected: yes. Observed: 1 heterozygote.
Comment: A heterozygous 3 base pair deletion in exon 17 of the KAT6A gene that results in an in-frame deletion of amino acids (p.Lys1224del) was detected. The p.Lys1224del variant has not been reported in the 1000 genomes and gnomAD databases. The reference region is conserved across species. In summary, the variant meets our criteria to be classified as variant of uncertain significance.

NM_006766.5(KAT6A):c.3670_3672del (p.Lys1224del)

Gene: KAT6A (lysine acetyltransferase 6A; minus strand). Cytogenetic location: 8p11.21.
Variant type: Deletion.
Coding change: c.3670_3672del on transcript NM_006766.5 (MANE Select); coding-DNA positions 3670 to 3672, 3 bases deleted (AAG; older notation c.3670_3672delAAG).
Protein change: p.Lys1224del; deletes lysine 1224.
Molecular consequence: inframe deletion.
Genome position (GRCh38, 1-based): chr8:41,934,548-41,934,550, CTT deleted on the plus strand (AAG on the coding strand, the reverse complement: KAT6A is on the minus strand); deleting any 3 consecutive bases within chr8:41,934,548-41,934,551 gives the same sequence; the c. name uses the placement nearest the transcript's 3' end. VCF-style (leftmost placement, unchanged base first): chr8-41934547-CCTT-C. GRCh37 (hg19) VCF-style: chr8-41792065-CCTT-C.
Other names: p.Lys1224del; short protein forms K1224del.
Identifiers: ClinVar variation 2444503 (VCV002444503.2), dbSNP rs769105908, ClinGen allele CA4729633.
Genomic context (GRCh38, chr8:41,934,547, plus strand): 5'-CTGCATCCTCTTCCTCACCCTCTTCAGCCTCTTCTGCCTCTGCTTGCATCTCCTCCTCCT[CCTT>C]CCTCTCCTCGGGTAGGGGCATGTCTTCTTTTGGCTCAACAGTTTCTTCACTCTCCTGGAT-3'